The following is an entry in ClinVar:

ClinVar aggregate classification (germline): Uncertain significance (1 of 4 stars; one submission).

Conditions:
T-cell immunodeficiency, congenital alopecia, and nail dystrophy. Also called: Congenital alopecia and nail dystrophy associated with severe functional T-cell immunodeficiency; Pignata Guarino syndrome. Identifiers: Orphanet 169095, MedGen C1866426, MONDO:0011132, OMIM 601705.

Submission:

Labcorp Genetics (formerly Invitae), Labcorp
Classification: Uncertain significance for T-cell immunodeficiency, congenital alopecia, and nail dystrophy. Last evaluated: 2022-08-09. Review status: criteria provided, single submitter. Criteria: Invitae Variant Classification Sherloc (09022015). Collection method: clinical testing. Allele origin: germline.
Comment: This variant has not been reported in the literature in individuals affected with FOXN1-related conditions. This sequence change replaces glycine, which is neutral and non-polar, with arginine, which is basic and polar, at codon 25 of the FOXN1 protein (p.Gly25Arg). This variant is not present in population databases (gnomAD no frequency). Algorithms developed to predict the effect of missense changes on protein structure and function (SIFT, PolyPhen-2, Align-GVGD) all suggest that this variant is likely to be tolerated. In summary, the available evidence is currently insufficient to determine the role of this variant in disease. Therefore, it has been classified as a Variant of Uncertain Significance.

NM_001369369.1(FOXN1):c.73G>A (p.Gly25Arg)

Gene: FOXN1 (forkhead box N1; plus strand). Cytogenetic location: 17q11.2.
Variant type: single nucleotide variant.
Coding change: c.73G>A on transcript NM_001369369.1 (MANE Select); coding-DNA position 73, G replaced by A.
Protein change: p.Gly25Arg; replaces glycine 25 with arginine.
Molecular consequence: missense variant.
Genome position (GRCh38, 1-based): chr17:28,524,042, G>A. VCF-style: chr17-28524042-G-A. GRCh37 (hg19) VCF-style: chr17-26851060-G-A.
Other names: c.73G>A, p.Gly25Arg (NM_003593.3); short protein forms G25R.
Identifiers: ClinVar variation 1721235 (VCV001721235.6), dbSNP rs2508347922, ClinGen allele CA398320215.
Genomic context (GRCh38, chr17:28,524,042, plus strand): 5'-CCCCCGCCGCAGTCTGACGTCACGCTGCCGGGCCCCACCAGACTGGAGGGCGAGCGCCAA[G>A]GGGACCTCATGCAGGCACCGGGCCTCCCAGGCTCCCCTGCCCCACAGAGTGTAAGTACCC-3'
Protein context (NP_001356298.1, residues 15-35): GPTRLEGERQ[Gly25Arg]DLMQAPGLPG